The following is an entry in ClinVar:

NM_030973.4(MED25):c.1374G>A (p.Leu458=)

Gene: MED25 (mediator complex subunit 25; plus strand). Cytogenetic location: 19q13.33.
Variant type: single nucleotide variant.
Coding change: c.1374G>A on transcript NM_030973.4 (MANE Select); coding-DNA position 1374, G replaced by A.
Protein change: p.Leu458=; no amino-acid change (leucine 458 retained).
Molecular consequence: synonymous variant.
Genome position (GRCh38, 1-based): chr19:49,832,157, G>A. VCF-style: chr19-49832157-G-A. GRCh37 (hg19) VCF-style: chr19-50335414-G-A.
Other names: c.1374G>A, p.Leu458= (NM_001378355.1).
Identifiers: ClinVar variation 955004 (VCV000955004.7), dbSNP rs2074062447, ClinGen allele CA508141547.
Genomic context (GRCh38, chr19:49,832,157, plus strand): 5'-CAGGAAGACGGAGCAGTGGCCCCAGAAGCTGATCATGCAGCTCATCCCCCAGCAGCTGCT[G>A]GTGAGTGGCGGTGGAGGGCCAGCCCTGCTGCCGGGCAGTCCTCACCCTGCTGTCTCTTTC-3'
Protein context (NP_112235.2, residues 448-468): LIMQLIPQQL[Leu458=]TTLGPLFRNS

ClinVar aggregate classification (germline): Uncertain significance (1 of 4 stars; one submission).

Conditions:
Charcot-Marie-Tooth disease type 2. Also called: Charcot-Marie-Tooth type 2. Identifiers: Orphanet 64746, MedGen C0270914, MONDO:0018993.

gnomAD v4.1: 5 of 1,612,280 alleles (0.00031%); highest among the groups gnomAD compares: Non-Finnish European, 0.00025%; no homozygotes.

Submission:

Labcorp Genetics (formerly Invitae), Labcorp
Classification: Uncertain significance for Charcot-Marie-Tooth disease type 2. Last evaluated: 2022-11-22. Review status: criteria provided, single submitter. Criteria: Invitae Variant Classification Sherloc (09022015). Collection method: clinical testing. Allele origin: germline.
Comment: This variant is not present in population databases (gnomAD no frequency). This sequence change affects codon 458 of the MED25 mRNA. It is a 'silent' change, meaning that it does not change the encoded amino acid sequence of the MED25 protein. This variant also falls at the last nucleotide of exon 12, which is part of the consensus splice site for this exon. This variant has not been reported in the literature in individuals affected with MED25-related conditions. In summary, the available evidence is currently insufficient to determine the role of this variant in disease. Therefore, it has been classified as a Variant of Uncertain Significance. Variants that disrupt the consensus splice site are a relatively common cause of aberrant splicing (PMID: 17576681, 9536098). Algorithms developed to predict the effect of sequence changes on RNA splicing suggest that this variant is not likely to affect RNA splicing. ClinVar contains an entry for this variant (Variation ID: 955004).

Literature cited by the submitters: PubMed 17576681; PubMed 9536098.